The following is an entry in ClinVar:

ClinVar aggregate classification (germline): Uncertain significance (1 of 4 stars; one submission).

Conditions:
TH-deficient dopa-responsive dystonia. Also called: Tyrosine Hydroxylase-Deficient Dopa-Responsive Dystonia; Segawa syndrome, autosomal recessive; DYT-TH. Identifiers: Orphanet 101150, MedGen C2673535, MONDO:0011551, OMIM 605407.

Allele frequency attached by ClinVar (database versions not stated): gnomAD exomes below 0.00001; TOPMed below 0.00001; gnomAD 0.00001.

Submission:

Labcorp Genetics (formerly Invitae), Labcorp
Classification: Uncertain significance for TH-deficient dopa-responsive dystonia. Last evaluated: 2024-11-11. Review status: criteria provided, single submitter. Criteria: Invitae Variant Classification Sherloc (09022015). Collection method: clinical testing. Allele origin: germline.
Comment: This sequence change replaces alanine, which is neutral and non-polar, with valine, which is neutral and non-polar, at codon 496 of the TH protein (p.Ala496Val). This variant is not present in population databases (gnomAD no frequency). This variant has not been reported in the literature in individuals affected with TH-related conditions. ClinVar contains an entry for this variant (Variation ID: 1485880). Invitae Evidence Modeling of protein sequence and biophysical properties (such as structural, functional, and spatial information, amino acid conservation, physicochemical variation, residue mobility, and thermodynamic stability) has been performed for this missense variant. However, the output from this modeling did not meet the statistical confidence thresholds required to predict the impact of this variant on TH protein function. In summary, the available evidence is currently insufficient to determine the role of this variant in disease. Therefore, it has been classified as a Variant of Uncertain Significance.

NM_000360.4(TH):c.1394C>T (p.Ala465Val)

Gene: TH (tyrosine hydroxylase; minus strand). Cytogenetic location: 11p15.5.
Variant type: single nucleotide variant.
Coding change: c.1394C>T on transcript NM_000360.4 (MANE Select); coding-DNA position 1394, C replaced by T.
Protein change: p.Ala465Val; replaces alanine 465 with valine.
Molecular consequence: missense variant.
Genome position (GRCh38, 1-based): chr11:2,164,333, G>A on the plus strand (C>T on the coding strand, the complement: TH is on the minus strand). VCF-style: chr11-2164333-G-A. GRCh37 (hg19) VCF-style: chr11-2185563-G-A.
Other names: c.1487C>T, p.Ala496Val (NM_199292.3); c.1475C>T, p.Ala492Val (NM_199293.3); short protein forms A465V, A496V, A492V.
Identifiers: ClinVar variation 1485880 (VCV001485880.7), dbSNP rs1846021859, ClinGen allele CA379124441.